The following is an entry in ClinVar:

NM_001378183.1(PIEZO2):c.3662C>T (p.Pro1221Leu)

Gene: PIEZO2 (piezo type mechanosensitive ion channel component 2; minus strand). Cytogenetic location: 18p11.22.
Variant type: single nucleotide variant.
Coding change: c.3662C>T on transcript NM_001378183.1 (MANE Select); coding-DNA position 3662, C replaced by T.
Protein change: p.Pro1221Leu; replaces proline 1221 with leucine.
Molecular consequence: missense variant.
Genome position (GRCh38, 1-based): chr18:10,759,577, G>A on the plus strand (C>T on the coding strand, the complement: PIEZO2 is on the minus strand). VCF-style: chr18-10759577-G-A. GRCh37 (hg19) VCF-style: chr18-10759575-G-A.
Other names: c.3587C>T, p.Pro1196Leu (NM_022068.4); c.3587C>T (NM_022068.3); short protein forms P1196L, P1221L.
Identifiers: ClinVar variation 1302189 (VCV001302189.7), dbSNP rs944241749, ClinGen allele CA296030426.

ClinVar aggregate classification (germline): Uncertain significance. Review status: criteria provided, multiple submitters, no conflicts (2 of 4 stars). 4 submissions from 4 submitters: Uncertain significance (4). Last evaluated 2026-04-21.

Conditions:
Inborn genetic diseases. Identifiers: MedGen C0950123, MeSH D030342.

Allele frequency attached by ClinVar (database versions not stated): gnomAD 0.00001; gnomAD exomes 0.00001; TOPMed 0.00002.
gnomAD v4.1: 23 of 1,537,194 alleles (0.0015%); highest among the groups gnomAD compares: Admixed American, 0.002%; no homozygotes.

Submissions (4):

Ambry Genetics
Classification: Uncertain significance for Inborn genetic diseases. Last evaluated: 2026-04-21. Review status: criteria provided, single submitter. Criteria: Ambry Variant Classification Scheme 2023. Collection method: clinical testing. Allele origin: germline.

Labcorp Genetics (formerly Invitae), Labcorp
Classification: Uncertain significance. Last evaluated: 2025-11-23. Review status: criteria provided, single submitter. Criteria: Invitae Variant Classification Sherloc (09022015). Collection method: clinical testing. Allele origin: germline.
Comment: This sequence change replaces proline, which is neutral and non-polar, with leucine, which is neutral and non-polar, at codon 1196 of the PIEZO2 protein (p.Pro1196Leu). This variant is present in population databases (no rsID available, gnomAD 0.004%). This variant has not been reported in the literature in individuals affected with PIEZO2-related conditions. ClinVar contains an entry for this variant (Variation ID: 1302189). Invitae Evidence Modeling of protein sequence and biophysical properties (such as structural, functional, and spatial information, amino acid conservation, physicochemical variation, residue mobility, and thermodynamic stability) indicates that this missense variant is expected to disrupt PIEZO2 protein function with a positive predictive value of 80%. In summary, the available evidence is currently insufficient to determine the role of this variant in disease. Therefore, it has been classified as a Variant of Uncertain Significance.

Revvity Omics, Revvity
Classification: Uncertain significance. Last evaluated: 2022-09-04. Review status: criteria provided, single submitter. Criteria: ACMG Guidelines, 2015. Collection method: clinical testing. Allele origin: germline.

GeneDx
Classification: Uncertain significance. Last evaluated: 2019-03-27. Review status: criteria provided, single submitter. Criteria: GeneDx Variant Classification Process June 2021. Collection method: clinical testing. Allele origin: germline. Affected: yes.
Comment: Has not been previously published as pathogenic or benign to our knowledge; In silico analysis, which includes protein predictors and evolutionary conservation, supports a deleterious effect